The following is an entry in ClinVar:

NM_002291.3(LAMB1):c.1423G>A (p.Glu475Lys)

Gene: LAMB1 (laminin subunit beta 1; minus strand). Cytogenetic location: 7q31.1.
Variant type: single nucleotide variant.
Coding change: c.1423G>A on transcript NM_002291.3 (MANE Select); coding-DNA position 1423, G replaced by A.
Protein change: p.Glu475Lys; replaces glutamic acid 475 with lysine.
Molecular consequence: missense variant.
Genome position (GRCh38, 1-based): chr7:107,975,045, C>T on the plus strand (G>A on the coding strand, the complement: LAMB1 is on the minus strand). VCF-style: chr7-107975045-C-T. GRCh37 (hg19) VCF-style: chr7-107615490-C-T.
Other names: short protein forms E475K.
Identifiers: ClinVar variation 2516171 (VCV002516171.5), dbSNP rs759204666, ClinGen allele CA4436028.
Genomic context (GRCh38, chr7:107,975,045, plus strand): 5'-CCAGGCACTGGTCACAATGCTGTCCTGTCACCAGACGCTTGCAGTAGCAGTGACCTGTCT[C>T]GGAATCACAAGGATTCCCTCCAGGAATTGTTCCCAGAGGATTGCAAGCACAAGCTGTATT-3'
Protein context (NP_002282.2, residues 465-485): TIPGGNPCDS[Glu475Lys]TGHCYCKRLV

ClinVar aggregate classification (germline): Uncertain significance. Review status: criteria provided, multiple submitters, no conflicts (2 of 4 stars). 2 submissions from 2 submitters: Uncertain significance (2). Last evaluated 2023-08-02.

Conditions:
Inborn genetic diseases. Identifiers: MedGen C0950123, MeSH D030342.

Allele frequency attached by ClinVar (database versions not stated): ExAC 0.00003; gnomAD exomes 0.00003; gnomAD 0.00014; TOPMed 0.00016.

Submissions (2):

Labcorp Genetics (formerly Invitae), Labcorp
Classification: Uncertain significance. Last evaluated: 2023-08-02. Review status: criteria provided, single submitter. Criteria: Invitae Variant Classification Sherloc (09022015). Collection method: clinical testing. Allele origin: germline.
Comment: An algorithm developed to predict the effect of missense changes on protein structure and function (PolyPhen-2) suggests that this variant is likely to be tolerated. In summary, the available evidence is currently insufficient to determine the role of this variant in disease. Therefore, it has been classified as a Variant of Uncertain Significance. ClinVar contains an entry for this variant (Variation ID: 2516171). This variant has not been reported in the literature in individuals affected with LAMB1-related conditions. This variant is present in population databases (rs759204666, gnomAD 0.04%). This sequence change replaces glutamic acid, which is acidic and polar, with lysine, which is basic and polar, at codon 475 of the LAMB1 protein (p.Glu475Lys).

Ambry Genetics
Classification: Uncertain significance for Inborn genetic diseases. Last evaluated: 2023-05-22. Review status: criteria provided, single submitter. Criteria: Ambry Variant Classification Scheme 2023. Collection method: clinical testing. Allele origin: germline.